The following is an entry in ClinVar:

ClinVar aggregate classification (germline): Uncertain significance. Review status: criteria provided, multiple submitters, no conflicts (2 of 4 stars). 2 submissions from 2 submitters: Uncertain significance (2). Last evaluated 2025-06-27.

Conditions:
Hereditary pheochromocytoma and paraganglioma. Also called: Hereditary paragangliomas and pheochromocytomas; Hereditary pheochromocytoma-paraganglioma; Hereditary Paraganglioma-Pheochromocytoma Syndromes. Identifiers: Orphanet 29072, MedGen C4274332, MONDO:0017366.
Hereditary cancer-predisposing syndrome. Also called: Tumor predisposition; Hereditary Cancer Syndrome; Hereditary neoplastic syndrome; Neoplastic Syndromes, Hereditary. Identifiers: Orphanet 140162, MedGen C0027672, MeSH D009386, MONDO:0015356.

gnomAD v4.1: 2 of 1,609,060 alleles (0.00012%); highest among the groups gnomAD compares: Non-Finnish European, 0.00017%; no homozygotes.

Submissions (2):

Ambry Genetics
Classification: Uncertain significance for Hereditary cancer-predisposing syndrome. Last evaluated: 2025-06-27. Review status: criteria provided, single submitter. Criteria: Ambry Variant Classification Scheme 2023. Collection method: clinical testing. Allele origin: germline.
Comment: The p.R63L variant (also known as c.188G>T), located in coding exon 1 of the TMEM127 gene, results from a G to T substitution at nucleotide position 188. The arginine at codon 63 is replaced by leucine, an amino acid with dissimilar properties. This amino acid position is highly conserved in available vertebrate species. In addition, the in silico prediction for this alteration is inconclusive. Based on the available evidence, the clinical significance of this variant remains unclear.

Labcorp Genetics (formerly Invitae), Labcorp
Classification: Uncertain significance for Hereditary pheochromocytoma and paraganglioma. Last evaluated: 2024-09-03. Review status: criteria provided, single submitter. Criteria: Invitae Variant Classification Sherloc (09022015). Collection method: clinical testing. Allele origin: germline.
Comment: This sequence change replaces arginine, which is basic and polar, with leucine, which is neutral and non-polar, at codon 63 of the TMEM127 protein (p.Arg63Leu). This variant is not present in population databases (gnomAD no frequency). This variant has not been reported in the literature in individuals affected with TMEM127-related conditions. ClinVar contains an entry for this variant (Variation ID: 653744). An algorithm developed to predict the effect of missense changes on protein structure and function (PolyPhen-2) suggests that this variant is likely to be tolerated. In summary, the available evidence is currently insufficient to determine the role of this variant in disease. Therefore, it has been classified as a Variant of Uncertain Significance.

NM_017849.4(TMEM127):c.188G>T (p.Arg63Leu)

Gene: TMEM127 (transmembrane protein 127; minus strand). Cytogenetic location: 2q11.2.
Variant type: single nucleotide variant.
Coding change: c.188G>T on transcript NM_017849.4 (MANE Select); coding-DNA position 188, G replaced by T.
Protein change: p.Arg63Leu; replaces arginine 63 with leucine.
Molecular consequence: missense variant.
Genome position (GRCh38, 1-based): chr2:96,265,194, C>A on the plus strand (G>T on the coding strand, the complement: TMEM127 is on the minus strand). VCF-style: chr2-96265194-C-A. GRCh37 (hg19) VCF-style: chr2-96930932-C-A.
Other names: c.188G>T, p.Arg63Leu (NM_001193304.3); short protein forms R63L.
Identifiers: ClinVar variation 653744 (VCV000653744.12), dbSNP rs1187661049, ClinGen allele CA347655937.